The following is an entry in ClinVar:

ClinVar aggregate classification (germline): Uncertain significance (1 of 4 stars; one submission).

Allele frequency attached by ClinVar (database versions not stated): TOPMed 0.00002; ExAC 0.00004; gnomAD exomes 0.00004; gnomAD 0.00003.
gnomAD v4.1: 57 of 1,597,640 alleles (0.0036%); highest among the groups gnomAD compares: Middle Eastern, 0.017%; 1 homozygote.

Submission:

CeGaT Center for Human Genetics Tuebingen
Classification: Uncertain significance. Last evaluated: 2023-09-01. Review status: criteria provided, single submitter. Criteria: CeGaT Center For Human Genetics Tuebingen Variant Classification Criteria Version 2. Collection method: clinical testing. Allele origin: germline. Affected: yes. Observed: 1 variant allele.
Comment: HIC1: PM2

NM_006497.4(HIC1):c.7G>A (p.Asp3Asn)

Gene: HIC1 (HIC ZBTB transcriptional repressor 1; plus strand). Cytogenetic location: 17p13.3.
Variant type: single nucleotide variant.
Coding change: c.7G>A on transcript NM_006497.4 (MANE Select); coding-DNA position 7, G replaced by A.
Protein change: p.Asp3Asn; replaces aspartic acid 3 with asparagine.
Molecular consequence: missense variant.
Genome position (GRCh38, 1-based): chr17:2,056,697, G>A. VCF-style: chr17-2056697-G-A. GRCh37 (hg19) VCF-style: chr17-1959991-G-A.
Other names: c.64G>A, p.Asp22Asn (NM_001098202.1); short protein forms D22N, D3N.
Identifiers: ClinVar variation 2647215 (VCV002647215.24), dbSNP rs749739446, ClinGen allele CA8277739.